The following is an entry in ClinVar:

ClinVar aggregate classification (germline): Likely benign. Review status: criteria provided, single submitter (1 of 4 stars). 2 submissions from 2 submitters: Likely benign (1). 1 of the submissions does not count toward it. Last evaluated 2025-12-24.

Conditions:
SLC9A1-related disorder. Also called: SLC9A1-related condition.

Allele frequency attached by ClinVar (database versions not stated): gnomAD 0.00007; TOPMed 0.00008; gnomAD exomes 0.00014; 1000 Genomes Project 30x 0.00016; 1000 Genomes Project 0.00020; ExAC 0.00024.
gnomAD v4.1: 92 of 1,614,174 alleles (0.0057%); highest among the groups gnomAD compares: Admixed American, 0.15%; no homozygotes.

Submissions (2):

Labcorp Genetics (formerly Invitae), Labcorp
Classification: Likely benign. Last evaluated: 2025-12-24. Review status: criteria provided, single submitter. Criteria: Invitae Variant Classification Sherloc (09022015). Collection method: clinical testing. Allele origin: germline.

PreventionGenetics, part of Exact Sciences
Classification: Likely benign for SLC9A1-related condition. Last evaluated: 2023-04-07. Review status: no assertion criteria provided. Collection method: clinical testing. Allele origin: germline. Not counted in ClinVar's aggregate classification.
Comment: This variant is classified as likely benign based on ACMG/AMP sequence variant interpretation guidelines (Richards et al. 2015 PMID: 25741868, with internal and published modifications).

NM_003047.5(SLC9A1):c.160G>C (p.Glu54Gln)

Gene: SLC9A1 (solute carrier family 9 member A1; minus strand). Cytogenetic location: 1p36.11.
Variant type: single nucleotide variant.
Coding change: c.160G>C on transcript NM_003047.5 (MANE Select); coding-DNA position 160, G replaced by C.
Protein change: p.Glu54Gln; replaces glutamic acid 54 with glutamine.
Molecular consequence: missense variant. On other transcripts: non-coding transcript variant (1).
Genome position (GRCh38, 1-based): chr1:27,154,175, C>G on the plus strand (G>C on the coding strand, the complement: SLC9A1 is on the minus strand). VCF-style: chr1-27154175-C-G. GRCh37 (hg19) VCF-style: chr1-27480666-C-G.
Other names: c.160G>C (NM_003047.4); short protein forms E54Q.
Identifiers: ClinVar variation 2072823 (VCV002072823.6), dbSNP rs545434461, ClinGen allele CA711397.
Genomic context (GRCh38, chr1:27,154,175, plus strand): 5'-CAGGGCGGCTCTCTGGGGTGACCTCCGGTGGAGCGGTGGTGACATCCCCAATCGAGCGTT[C>G]TCGTGGTGGCTCTGAGCTTCGAATGGTGCTGGCAGTTGGGCTGAGCTGGAGGCCATGGCT-3'
Protein context (NP_003038.2, residues 44-64): STIRSSEPPR[Glu54Gln]RSIGDVTTAP